The following is an entry in ClinVar:

NM_004183.4(BEST1):c.867+97G>A

Gene: BEST1 (bestrophin 1; plus strand). Cytogenetic location: 11q12.3.
Variant type: single nucleotide variant.
Coding change: c.867+97G>A on transcript NM_004183.4 (MANE Select); 97 bases into the intron after coding-DNA position 867, G replaced by A.
Molecular consequence: intron variant. On other transcripts: missense variant (1), 5 prime UTR variant (1), non-coding transcript variant (1).
Genome position (GRCh38, 1-based): chr11:61,958,395, G>A. VCF-style: chr11-61958395-G-A. GRCh37 (hg19) VCF-style: chr11-61725867-G-A.
Other names: c.964G>A, p.Val322Ile (NM_001363592.2); c.-212G>A (NM_001363593.3); c.867+97G>A (NM_001440571.1, NM_001440572.1); c.714+931G>A (NM_001440573.1); c.687+97G>A (NM_001139443.3, NM_001300787.2, NM_001440574.1 and 1 more transcripts); c.534+931G>A (NM_001440575.1, NM_001440576.1); c.549+97G>A (NM_001363591.3); short protein forms V322I.
Identifiers: ClinVar variation 1941570 (VCV001941570.5), dbSNP rs554725612, ClinGen allele CA380841097.

ClinVar aggregate classification (germline): Pathogenic/Likely pathogenic. Review status: criteria provided, multiple submitters, no conflicts (2 of 4 stars). 2 submissions from 2 submitters: Pathogenic (1); Likely pathogenic (1). Last evaluated 2025-09-19.

Conditions:
Autosomal recessive bestrophinopathy. Also called: Autosomal Recessive Bestrophinopathy (ARB). Identifiers: Orphanet 139455, MedGen C3888198, MONDO:0012733, OMIM 611809.

gnomAD v4.1: 9 of 1,593,366 alleles (0.00056%); highest among the groups gnomAD compares: East Asian, 0.0023%; no homozygotes.

Submissions (2):

First Genomix Gene Laboratory, Genetic Diagnostics Department
Classification: Likely pathogenic for Autosomal recessive bestrophinopathy. Last evaluated: 2025-09-19. Review status: criteria provided, single submitter. Criteria: ACMG Guidelines, 2015. Collection method: clinical testing. Allele origin: germline. Inheritance: Autosomal recessive inheritance. Affected: no. Observed: 1 variant allele.

Labcorp Genetics (formerly Invitae), Labcorp
Classification: Pathogenic. Last evaluated: 2025-08-14. Review status: criteria provided, single submitter. Criteria: Invitae Variant Classification Sherloc (09022015). Collection method: clinical testing. Allele origin: germline.
Comment: This sequence change falls in intron 7 of the BEST1 gene. It does not directly change the encoded amino acid sequence of the BEST1 protein. This variant is present in population databases (no rsID available, gnomAD 0.006%). This variant has been observed in individual(s) with clinical features of autosomal recessive bestrophinopathy (PMID: 31969119, 38619684; internal data). In at least one individual the data is consistent with being in trans (on the opposite chromosome) from a pathogenic variant. It has also been observed to segregate with disease in related individuals. This variant is also known as chr11:61725867G>A, c.646G > A (p.V216I). ClinVar contains an entry for this variant (Variation ID: 1941570). Algorithms developed to predict the effect of sequence changes on RNA splicing suggest that this variant is not likely to affect RNA splicing. For these reasons, this variant has been classified as Pathogenic.

Literature cited by the submitters: PubMed 31969119 (cited by Labcorp Genetics (formerly Invitae), Labcorp); PubMed 38619684 (cited by Labcorp Genetics (formerly Invitae), Labcorp).